The following is an entry in ClinVar:

NC_000010.10:g.(?_68040208)_(68040399_?)dup

Gene: CTNNA3 (catenin alpha 3; minus strand). Cytogenetic location: 10q21.3.
Variant type: Duplication.
Identifiers: ClinVar variation 1411743 (VCV001411743.5).

ClinVar aggregate classification (germline): Uncertain significance (1 of 4 stars; one submission).

Conditions:
Arrhythmogenic right ventricular dysplasia 13. Also called: Arrhythmogenic right ventricular dysplasia, familial, 13; ARRHYTHMOGENIC RIGHT VENTRICULAR CARDIOMYOPATHY 13. Identifiers: MedGen C3810138, MONDO:0000908, OMIM 615616.

Submission:

Labcorp Genetics (formerly Invitae), Labcorp
Classification: Uncertain significance for Arrhythmogenic right ventricular dysplasia 13. Last evaluated: 2024-01-13. Review status: criteria provided, single submitter. Criteria: Invitae Variant Classification Sherloc (09022015). Collection method: clinical testing. Allele origin: germline.
Comment: This variant results in a copy number gain of the genomic region encompassing exon(s) 13 of the CTNNA3 gene. While the exact position of this variant cannot be determined from the data, sub-genic copy number gains are generally in tandem (PMID: 25640679). This variant is predicted to be out-of-frame, and may result in an absent or disrupted protein product. However, the current clinical and genetic evidence is not sufficient to establish whether loss-of-function variants in CTNNA3 cause disease. This variant has not been reported in the literature in individuals affected with CTNNA3-related conditions. In summary, the available evidence is currently insufficient to determine the role of this variant in disease. Therefore, it has been classified as a Variant of Uncertain Significance.

Literature cited by the submitters: PubMed 25640679.